The following is an entry in ClinVar:

NM_000334.4(SCN4A):c.2960G>A (p.Gly987Glu)

Genes: GH-LCR (growth hormone locus control region; plus strand), SCN4A (sodium voltage-gated channel alpha subunit 4; minus strand). Cytogenetic location: 17q23.3.
Variant type: single nucleotide variant.
Coding change: c.2960G>A on transcript NM_000334.4 (MANE Select); coding-DNA position 2960, G replaced by A.
Protein change: p.Gly987Glu; replaces glycine 987 with glutamic acid.
Molecular consequence: missense variant.
Genome position (GRCh38, 1-based): chr17:63,949,422, C>T on the plus strand (G>A on the coding strand, the complement: SCN4A is on the minus strand). VCF-style: chr17-63949422-C-T. GRCh37 (hg19) VCF-style: chr17-62026782-C-T.
Other names: short protein forms G987E.
Identifiers: ClinVar variation 3370203 (VCV003370203.2).
Genomic context (GRCh38, chr17:63,949,422, plus strand): 5'-GACACCCAGATGAGGTGAGGGGTGCCCTCACCCTCAGTGAAGCACTCCTCAGGCTGCTCC[C>T]CCTCGGGGTTCTCCTCTGCCTGCTCCTCAGGGTCCTCCTCGGGGGGCTTGTAGTCAGCTG-3'
Protein context (NP_000325.4, residues 977-997): PEEQAEENPE[Gly987Glu]EQPEECFTEA

ClinVar aggregate classification (germline): Uncertain significance. Review status: criteria provided, multiple submitters, no conflicts (2 of 4 stars). 2 submissions from 2 submitters: Uncertain significance (2). Last evaluated 2024-06-17.

Conditions:
Congenital myopathy 22A, classic (CMYO22A). Identifiers: MedGen C5830453, MONDO:0957247, OMIM 620351.
Potassium-aggravated myotonia. Also called: MYOTONIA CONGENITA, ACETAZOLAMIDE-RESPONSIVE; MYOTONIA CONGENITA, ATYPICAL; SODIUM CHANNEL MUSCLE DISEASE; Myotonia congenita, atypical, acetazolamide-responsive. Identifiers: Orphanet 612, Orphanet 99734, Orphanet 99735, Orphanet 99736, MedGen C2931826, MONDO:0018959, OMIM 608390.
Paramyotonia congenita of Von Eulenburg. Also called: PARALYSIS PERIODICA PARAMYOTONICA; Eulenburg disease; Myotonia congenita intermittens; Von Eulenburg paramyotonia congenita; Paramyotonia Congenita. Identifiers: Orphanet 684, MedGen C0221055, MONDO:0008195, OMIM 168300. Disease mechanism: loss of function.
Hypokalemic periodic paralysis, type 2 (HOKPP2). Identifiers: Orphanet 681, MedGen C2750061, MONDO:0013234, OMIM 613345.
Hyperkalemic periodic paralysis. Also called: Gamstorp disease; Familial hyperkalemic periodic paralysis. Identifiers: Orphanet 682, MedGen C0238357, MONDO:0008224, OMIM 170500, HP:0007215.
Congenital myopathy 22B, severe fetal (CMYO22B). Identifiers: MedGen C5830501, MONDO:0957265, OMIM 620369.
Congenital myasthenic syndrome 16. Identifiers: Orphanet 590, MedGen C3280112, MONDO:0013620, OMIM 614198.

gnomAD v4.1: 1 of 1,594,292 alleles (0.000063%); highest among the groups gnomAD compares: Non-Finnish European, 0.000085%; no homozygotes.

Submissions (2):

Fulgent Genetics
Classification: Uncertain significance for Paramyotonia congenita of Von Eulenburg; Hyperkalemic periodic paralysis; Potassium-aggravated myotonia; Hypokalemic periodic paralysis, type 2; Congenital myasthenic syndrome 16; Congenital myopathy 22A, classic; Congenital myopathy 22B, severe fetal. Last evaluated: 2024-06-17. Review status: criteria provided, single submitter. Criteria: ACMG Guidelines, 2015. Collection method: clinical testing. Allele origin: germline.

GeneDx
Classification: Uncertain significance. Last evaluated: 2023-12-22. Review status: criteria provided, single submitter. Criteria: GeneDx Variant Classification Process June 2021. Collection method: clinical testing. Allele origin: germline. Affected: yes.
Comment: Not observed at significant frequency in large population cohorts (gnomAD); In silico analysis supports that this missense variant does not alter protein structure/function; Has not been previously published as pathogenic or benign to our knowledge